The following is an entry in ClinVar:

ClinVar aggregate classification (germline): Uncertain significance. Review status: criteria provided, multiple submitters, no conflicts (2 of 4 stars). 2 submissions from 2 submitters: Uncertain significance (2). Last evaluated 2026-06-24.

Conditions:
ZNF423-related disorder. Also called: ZNF423-related condition.
Nephronophthisis 14 (NPHP14). Identifiers: Orphanet 2318, MedGen C3539071, MONDO:0013916, OMIM 614844.

Allele frequency attached by ClinVar (database versions not stated): TOPMed below 0.00001; gnomAD 0.00001; gnomAD exomes 0.00002 and 0.00004; ExAC 0.00007; 1000 Genomes Project 30x 0.00031; 1000 Genomes Project 0.00040.
gnomAD v4.1: 24 of 1,613,994 alleles (0.0015%); highest among the groups gnomAD compares: South Asian, 0.026%; no homozygotes.

Submissions (2):

PreventionGenetics, part of Exact Sciences
Classification: Uncertain significance for ZNF423-related condition. Last evaluated: 2026-06-24. Review status: criteria provided, single submitter. Criteria: ACMG Guidelines, 2015. Collection method: clinical testing. Allele origin: germline.
Comment: The ZNF423 c.2127G>C variant is predicted to result in the amino acid substitution p.Lys709Asn. To our knowledge, this variant has not been reported in the literature. This variant is reported in 0.036% of alleles in individuals of South Asian descent in gnomAD. At this time, the clinical significance of this variant is uncertain due to the absence of conclusive functional and genetic evidence.

Labcorp Genetics (formerly Invitae), Labcorp
Classification: Uncertain significance for Nephronophthisis 14. Last evaluated: 2022-10-28. Review status: criteria provided, single submitter. Criteria: Invitae Variant Classification Sherloc (09022015). Collection method: clinical testing. Allele origin: germline.
Comment: This sequence change replaces lysine, which is basic and polar, with asparagine, which is neutral and polar, at codon 709 of the ZNF423 protein (p.Lys709Asn). ClinVar contains an entry for this variant (Variation ID: 1001232). This variant has not been reported in the literature in individuals affected with ZNF423-related conditions. This variant is present in population databases (rs553236659, gnomAD 0.04%). In summary, the available evidence is currently insufficient to determine the role of this variant in disease. Therefore, it has been classified as a Variant of Uncertain Significance. Advanced modeling of protein sequence and biophysical properties (such as structural, functional, and spatial information, amino acid conservation, physicochemical variation, residue mobility, and thermodynamic stability) performed at Invitae indicates that this missense variant is not expected to disrupt ZNF423 protein function.

NM_001379286.1(ZNF423):c.2151G>C (p.Lys717Asn)

Gene: ZNF423 (zinc finger protein 423; minus strand). Cytogenetic location: 16q12.1.
Variant type: single nucleotide variant.
Coding change: c.2151G>C on transcript NM_001379286.1 (MANE Select); coding-DNA position 2151, G replaced by C.
Protein change: p.Lys717Asn; replaces lysine 717 with asparagine.
Molecular consequence: missense variant.
Genome position (GRCh38, 1-based): chr16:49,637,025, C>G on the plus strand (G>C on the coding strand, the complement: ZNF423 is on the minus strand). VCF-style: chr16-49637025-C-G. GRCh37 (hg19) VCF-style: chr16-49670936-C-G.
Other names: c.2127G>C, p.Lys709Asn (NM_015069.5); c.2127G>C (NM_015069.4); c.1947G>C, p.Lys649Asn (NM_001271620.2); c.1776G>C, p.Lys592Asn (NM_001330533.2); short protein forms K592N, K649N, K709N, K717N.
Identifiers: ClinVar variation 1001232 (VCV001001232.7), dbSNP rs553236659, ClinGen allele CA8046557.